The following is an entry in ClinVar:

ClinVar aggregate classification (germline): Pathogenic (1 of 4 stars; one submission).

Conditions:
Hereditary spastic paraplegia 4. Also called: Spastic paraplegia 4, autosomal dominant; Spastic Paraplegia 4; Familial spastic paraplegia autosomal dominant 2. Identifiers: Orphanet 100985, MedGen C1866855, MONDO:0008438, OMIM 182601.

Submission:

Labcorp Genetics (formerly Invitae), Labcorp
Classification: Pathogenic for Hereditary spastic paraplegia 4. Last evaluated: 2022-07-22. Review status: criteria provided, single submitter. Criteria: Invitae Variant Classification Sherloc (09022015). Collection method: clinical testing. Allele origin: germline.
Comment: This variant is a gross deletion of the genomic region encompassing exon(s) 2-7 of the SPAST gene. This deletion is out-of-frame, and is expected to create a premature termination codon and result in an absent or disrupted protein product. Loss-of-function variants in SPAST are known to be pathogenic (PMID: 20932283). A similar copy number variant has been observed in individuals with spastic paraplegia (PMID: 25065914). For these reasons, this variant has been classified as Pathogenic.

Literature cited by the submitters: PubMed 20932283; PubMed 25065914.

NC_000002.11:g.(?_32312541)_(32341301_?)del

Gene: SPAST (spastin; plus strand). Cytogenetic location: 2p22.3.
Variant type: Deletion.
Identifiers: ClinVar variation 2426017 (VCV002426017.3).